The following is an entry in ClinVar:

ClinVar aggregate classification (germline): Likely benign (1 of 4 stars; one submission).

Submission:

CeGaT Center for Human Genetics Tuebingen
Classification: Likely benign. Last evaluated: 2022-05-01. Review status: criteria provided, single submitter. Criteria: CeGaT Center For Human Genetics Tuebingen Variant Classification Criteria Version 2. Collection method: clinical testing. Allele origin: germline. Affected: yes. Observed: 1 variant allele.
Comment: MRM2: PM2:Supporting, BP4, BP7

NM_013393.3(MRM2):c.129T>C (p.Phe43=)

Gene: MRM2 (mitochondrial rRNA methyltransferase 2; minus strand). Cytogenetic location: 7p22.3.
Variant type: single nucleotide variant.
Coding change: c.129T>C on transcript NM_013393.3 (MANE Select); coding-DNA position 129, T replaced by C.
Protein change: p.Phe43=; no amino-acid change (phenylalanine 43 retained).
Molecular consequence: synonymous variant.
Genome position (GRCh38, 1-based): chr7:2,239,587, A>G on the plus strand (T>C on the coding strand, the complement: MRM2 is on the minus strand). VCF-style: chr7-2239587-A-G. GRCh37 (hg19) VCF-style: chr7-2279222-A-G.
Identifiers: ClinVar variation 2657225 (VCV002657225.24), dbSNP rs2534167084, ClinGen allele CA453625497.